The following is an entry in ClinVar:

NM_024422.6(DSC2):c.407del (p.Arg136fs)

Gene: DSC2 (desmocollin 2; minus strand). Cytogenetic location: 18q12.1.
Variant type: Deletion.
Coding change: c.407del on transcript NM_024422.6 (MANE Select); coding-DNA position 407, one base deleted (G; older notation c.407delG).
Protein change: p.Arg136fs; shifts the reading frame from arginine 136.
Molecular consequence: frameshift variant. On other transcripts: 5 prime UTR variant (2).
Genome position (GRCh38, 1-based): chr18:31,091,095, C deleted on the plus strand (G on the coding strand, the reverse complement: DSC2 is on the minus strand). VCF-style (leftmost placement, unchanged base first): chr18-31091094-TC-T. GRCh37 (hg19) VCF-style: chr18-28671057-TC-T.
Other names: c.-23del (NM_001406506.1, NM_001406507.1); c.407del, p.Arg136fs (NM_004949.5); short protein forms R136fs.
Identifiers: ClinVar variation 4891464 (VCV004891464.2).

ClinVar aggregate classification (germline): Likely pathogenic (1 of 4 stars; one submission).

Submission:

GeneDx
Classification: Likely pathogenic. Last evaluated: 2026-09-17. Review status: criteria provided, single submitter. Criteria: GeneDx Variant Classification Process June 2021. Collection method: clinical testing. Allele origin: germline.
Comment: Frameshift variant predicted to result in protein truncation or nonsense mediated decay in a gene for which loss of function is a known mechanism of disease; Not observed at significant frequency in large population cohorts (gnomAD); Has not been previously published as pathogenic or benign to our knowledge